The following is an entry in ClinVar:

ClinVar aggregate classification (germline): Uncertain significance. Review status: criteria provided, multiple submitters, no conflicts (2 of 4 stars). 2 submissions from 2 submitters: Uncertain significance (2). Last evaluated 2025-10-29.

Conditions:
Neuroblastoma, susceptibility to, 3. Also called: ALK-Related Neuroblastic Tumor Susceptibility. Identifiers: Orphanet 635, MedGen C2751681, MONDO:0013083, OMIM 613014.
Hereditary cancer-predisposing syndrome. Also called: Neoplastic Syndromes, Hereditary; Hereditary neoplastic syndrome; Hereditary Cancer Syndrome; Tumor predisposition. Identifiers: Orphanet 140162, MedGen C0027672, MeSH D009386, MONDO:0015356.

Allele frequency attached by ClinVar (database versions not stated): TOPMed 0.00001.
gnomAD v4.1: 28 of 1,607,346 alleles (0.0017%); highest among the groups gnomAD compares: Admixed American, 0.0033%; no homozygotes.

Submissions (2):

Labcorp Genetics (formerly Invitae), Labcorp
Classification: Uncertain significance for Neuroblastoma, susceptibility to, 3. Last evaluated: 2025-10-29. Review status: criteria provided, single submitter. Criteria: Invitae Variant Classification Sherloc (09022015). Collection method: clinical testing. Allele origin: germline.
Comment: This sequence change replaces proline, which is neutral and non-polar, with alanine, which is neutral and non-polar, at codon 40 of the ALK protein (p.Pro40Ala). This variant is present in population databases (rs371679329, gnomAD 0.003%). This variant has not been reported in the literature in individuals affected with ALK-related conditions. ClinVar contains an entry for this variant (Variation ID: 656046). An algorithm developed to predict the effect of missense changes on protein structure and function (PolyPhen-2) suggests that this variant is likely to be tolerated. In summary, the available evidence is currently insufficient to determine the role of this variant in disease. Therefore, it has been classified as a Variant of Uncertain Significance.

Ambry Genetics
Classification: Uncertain significance for Hereditary cancer-predisposing syndrome. Last evaluated: 2025-02-12. Review status: criteria provided, single submitter. Criteria: Ambry Variant Classification Scheme 2023. Collection method: clinical testing. Allele origin: germline.
Comment: The p.P40A variant (also known as c.118C>G), located in coding exon 1 of the ALK gene, results from a C to G substitution at nucleotide position 118. The proline at codon 40 is replaced by alanine, an amino acid with highly similar properties. This amino acid position is well conserved in available vertebrate species. In addition, the in silico prediction for this alteration is inconclusive. Based on the available evidence, the clinical significance of this variant remains unclear.

NM_004304.5(ALK):c.118C>G (p.Pro40Ala)

Gene: ALK (ALK receptor tyrosine kinase; minus strand). Cytogenetic location: 2p23.1.
Variant type: single nucleotide variant.
Coding change: c.118C>G on transcript NM_004304.5 (MANE Select); coding-DNA position 118, C replaced by G.
Protein change: p.Pro40Ala; replaces proline 40 with alanine.
Molecular consequence: missense variant.
Genome position (GRCh38, 1-based): chr2:29,920,542, G>C on the plus strand (C>G on the coding strand, the complement: ALK is on the minus strand). VCF-style: chr2-29920542-G-C. GRCh37 (hg19) VCF-style: chr2-30143408-G-C.
Other names: short protein forms P40A.
Identifiers: ClinVar variation 656046 (VCV000656046.9), dbSNP rs371679329, ClinGen allele CA1595045.